The following is an entry in ClinVar:

ClinVar aggregate classification (germline): Uncertain significance (1 of 4 stars; one submission).

Conditions:
Inborn genetic diseases. Identifiers: MedGen C0950123, MeSH D030342.

Submission:

Ambry Genetics
Classification: Uncertain significance for Inborn genetic diseases. Last evaluated: 2017-03-13. Review status: criteria provided, single submitter. Criteria: Ambry Variant Classification Scheme 2023. Collection method: clinical testing. Allele origin: germline.
Comment: The p.K1399R variant (also known as c.4196A>G), located in coding exon 21 of the SCN2A gene, results from an A to G substitution at nucleotide position 4196. The lysine at codon 1399 is replaced by arginine, an amino acid with highly similar properties. This amino acid position is highly conserved in available vertebrate species. In addition, the in silico prediction for this alteration is inconclusive. Since supporting evidence is limited at this time, the clinical significance of this alteration remains unclear.

NM_001040142.2(SCN2A):c.4196A>G (p.Lys1399Arg)

Gene: SCN2A (sodium voltage-gated channel alpha subunit 2; plus strand). Cytogenetic location: 2q24.3.
Variant type: single nucleotide variant.
Coding change: c.4196A>G on transcript NM_001040142.2 (MANE Select); coding-DNA position 4196, A replaced by G.
Protein change: p.Lys1399Arg; replaces lysine 1399 with arginine.
Molecular consequence: missense variant.
Genome position (GRCh38, 1-based): chr2:165,374,908, A>G. VCF-style: chr2-165374908-A-G. GRCh37 (hg19) VCF-style: chr2-166231418-A-G.
Other names: c.4196A>G, p.Lys1399Arg (NM_001040143.2, NM_001371246.1, NM_001371247.1 and 1 more transcripts); short protein forms K1399R.
Identifiers: ClinVar variation 589747 (VCV000589747.5), dbSNP rs1559399453, ClinGen allele CA349031462.